The following is an entry in ClinVar:

ClinVar aggregate classification (germline): Likely benign (0 of 4 stars; one submission).

Conditions:
KIF7-related disorder. Also called: KIF7-related condition.

Allele frequency attached by ClinVar (database versions not stated): gnomAD 0.00001.

Submission:

PreventionGenetics, part of Exact Sciences
Classification: Likely benign for KIF7-related condition. Last evaluated: 2020-11-11. Review status: no assertion criteria provided. Collection method: clinical testing. Allele origin: germline.
Comment: This variant is classified as likely benign based on ACMG/AMP sequence variant interpretation guidelines (Richards et al. 2015 PMID: 25741868, with internal and published modifications).

NM_198525.3(KIF7):c.1122T>G (p.Gly374=)

Gene: KIF7 (kinesin family member 7; minus strand). Cytogenetic location: 15q26.1.
Variant type: single nucleotide variant.
Coding change: c.1122T>G on transcript NM_198525.3 (MANE Select); coding-DNA position 1122, T replaced by G.
Protein change: p.Gly374=; no amino-acid change (glycine 374 retained).
Molecular consequence: synonymous variant.
Genome position (GRCh38, 1-based): chr15:89,648,576, A>C on the plus strand (T>G on the coding strand, the complement: KIF7 is on the minus strand). VCF-style: chr15-89648576-A-C. GRCh37 (hg19) VCF-style: chr15-90191807-A-C.
Identifiers: ClinVar variation 3036208 (VCV003036208.2), dbSNP rs1159298797, ClinGen allele CA492293235.